The following is an entry in ClinVar:

NM_172107.4(KCNQ2):c.387+2T>C

Gene: KCNQ2 (potassium voltage-gated channel subfamily Q member 2; minus strand). Cytogenetic location: 20q13.33.
Variant type: single nucleotide variant.
Coding change: c.387+2T>C on transcript NM_172107.4 (MANE Select); the canonical splice donor site of the intron after coding-DNA position 387, T replaced by C.
Molecular consequence: splice donor variant.
Genome position (GRCh38, 1-based): chr20:63,446,745, A>G on the plus strand (T>C on the coding strand, the complement: KCNQ2 is on the minus strand). VCF-style: chr20-63446745-A-G. GRCh37 (hg19) VCF-style: chr20-62078098-A-G.
Other names: c.387+2T>C (NM_004518.6, NM_172108.5, NM_172106.3 and 2 more transcripts).
Identifiers: ClinVar variation 1500993 (VCV001500993.13), dbSNP rs2145789008, ClinGen allele CA409656285.

ClinVar aggregate classification (germline): Pathogenic/Likely pathogenic. Review status: criteria provided, multiple submitters, no conflicts (2 of 4 stars). 2 submissions from 2 submitters: Pathogenic (1); Likely pathogenic (1). Last evaluated 2026-01-01.

Conditions:
Early-infantile DEE. Also called: Ohtahara syndrome; Early infantile epileptic encephalopathy; Early infantile epileptic encephalopathy with suppression bursts. Identifiers: Orphanet 1934, MedGen C0393706, MONDO:0800491.

Submissions (2):

CeGaT Center for Human Genetics Tuebingen
Classification: Pathogenic. Last evaluated: 2026-01-01. Review status: criteria provided, single submitter. Criteria: CeGaT Center For Human Genetics Tuebingen Variant Classification Criteria Version 2. Collection method: clinical testing. Allele origin: germline. Affected: yes. Observed: 1 variant allele.
Comment: KCNQ2: PVS1, PM2

Labcorp Genetics (formerly Invitae), Labcorp
Classification: Likely pathogenic for Early-infantile DEE. Last evaluated: 2021-05-10. Review status: criteria provided, single submitter. Criteria: Invitae Variant Classification Sherloc (09022015). Collection method: clinical testing. Allele origin: germline.
Comment: In summary, the currently available evidence indicates that the variant is pathogenic, but additional data are needed to prove that conclusively. Therefore, this variant has been classified as Likely Pathogenic. Algorithms developed to predict the effect of sequence changes on RNA splicing suggest that this variant may disrupt the consensus splice site, but this prediction has not been confirmed by published transcriptional studies. This variant has not been reported in the literature in individuals with KCNQ2-related conditions. This variant is not present in population databases (ExAC no frequency). This sequence change affects a donor splice site in intron 2 of the KCNQ2 gene. It is expected to disrupt RNA splicing. Variants that disrupt the donor or acceptor splice site typically lead to a loss of protein function (PMID: 16199547), and loss-of-function variants in KCNQ2 are known to be pathogenic (PMID: 14534157, 23692823, 27779742).

Literature cited by the submitters: PubMed 16199547 (cited by Labcorp Genetics (formerly Invitae), Labcorp); PubMed 14534157 (cited by Labcorp Genetics (formerly Invitae), Labcorp); PubMed 23692823 (cited by Labcorp Genetics (formerly Invitae), Labcorp); PubMed 27779742 (cited by Labcorp Genetics (formerly Invitae), Labcorp).